The following is an entry in ClinVar:

NM_003322.6(TULP1):c.592A>T (p.Lys198Ter)

Gene: TULP1 (TUB like protein 1; minus strand). Cytogenetic location: 6p21.31.
Variant type: single nucleotide variant.
Coding change: c.592A>T on transcript NM_003322.6 (MANE Select); coding-DNA position 592, A replaced by T.
Protein change: p.Lys198Ter; replaces lysine 198 with a stop codon.
Molecular consequence: nonsense.
Genome position (GRCh38, 1-based): chr6:35,509,836, T>A on the plus strand (A>T on the coding strand, the complement: TULP1 is on the minus strand). VCF-style: chr6-35509836-T-A. GRCh37 (hg19) VCF-style: chr6-35477613-T-A.
Other names: c.433A>T, p.Lys145Ter (NM_001289395.2); short protein forms K198*, K145*.
Identifiers: ClinVar variation 2830180 (VCV002830180.3), dbSNP rs2533804575, ClinGen allele CA363782806.
Genomic context (GRCh38, chr6:35,509,836, plus strand): 5'-ACAACCCCCACCGCAACTGGAGTCCCCTGTTCCTCCCTAGGCTGGGCTCACCTTTCTTCT[T>A]GGTCTTTCTCATCTTGGTCCCCTCCCCTGCTGGAGCTTCCTTATTCCTAACACGCAGAGG-3'

ClinVar aggregate classification (germline): Pathogenic (1 of 4 stars; one submission).

gnomAD v4.1: 1 of 1,614,070 alleles (0.000062%); highest among the groups gnomAD compares: Non-Finnish European, 0.000085%; no homozygotes.

Submission:

Labcorp Genetics (formerly Invitae), Labcorp
Classification: Pathogenic. Last evaluated: 2024-01-04. Review status: criteria provided, single submitter. Criteria: Invitae Variant Classification Sherloc (09022015). Collection method: clinical testing. Allele origin: germline.
Comment: This sequence change creates a premature translational stop signal (p.Lys198*) in the TULP1 gene. It is expected to result in an absent or disrupted protein product. Loss-of-function variants in TULP1 are known to be pathogenic (PMID: 8606774, 10549638, 15024725, 18055821). This variant is not present in population databases (gnomAD no frequency). This variant has not been reported in the literature in individuals affected with TULP1-related conditions. For these reasons, this variant has been classified as Pathogenic.

Literature cited by the submitters: PubMed 8606774; PubMed 10549638; PubMed 15024725; PubMed 18055821.